The following is an entry in ClinVar:

ClinVar aggregate classification (germline): Benign. Review status: criteria provided, multiple submitters, no conflicts (2 of 4 stars). 2 submissions from 2 submitters: Benign (2). Last evaluated 2018-01-13.

Conditions:
Hereditary spastic paraplegia 4. Also called: Spastic paraplegia 4, autosomal dominant; Spastic Paraplegia 4; Familial spastic paraplegia autosomal dominant 2. Identifiers: Orphanet 100985, MedGen C1866855, MONDO:0008438, OMIM 182601.

Allele frequency attached by ClinVar (database versions not stated): gnomAD 0.00041 and 0.00064; TOPMed 0.00100; 1000 Genomes Project 30x 0.00437; 1000 Genomes Project 0.00459.

Submissions (2):

Illumina Laboratory Services, Illumina
Classification: Benign for Hereditary spastic paraplegia 4. Last evaluated: 2018-01-13. Review status: criteria provided, single submitter. Criteria: ICSL Variant Classification Criteria 13 December 2019. Collection method: clinical testing. Allele origin: germline.
Comment: This variant was observed in the ICSL laboratory as part of a predisposition screen in an ostensibly healthy population. It had not been previously curated by ICSL or reported in the Human Gene Mutation Database (HGMD: prior to June 1st, 2018), and was therefore a candidate for classification through an automated scoring system. Utilizing variant allele frequency, disease prevalence and penetrance estimates, and inheritance mode, an automated score was calculated to assess if this variant is too frequent to cause the disease. Based on the score and internal cut-off values, a variant classified as benign is not then subjected to further curation. The score for this variant resulted in a classification of benign for this disease.

Breakthrough Genomics
Classification: Benign. Review status: criteria provided, single submitter. Criteria: ACMG Guidelines, 2015. Collection method: not provided. Allele origin: germline. Inheritance: Autosomal dominant inheritance. Affected: yes.

NM_014946.4(SPAST):c.*2583C>T

Gene: SPAST (spastin; plus strand). Cytogenetic location: 2p22.3.
Variant type: single nucleotide variant.
Coding change: c.*2583C>T on transcript NM_014946.4 (MANE Select); 2583 bases downstream of the stop codon, C replaced by T.
Molecular consequence: 3 prime UTR variant.
Genome position (GRCh38, 1-based): chr2:32,157,079, C>T. VCF-style: chr2-32157079-C-T. GRCh37 (hg19) VCF-style: chr2-32382148-C-T.
Other names: c.*2583C>T (NM_001363823.2, NM_001363875.2, NM_199436.2); c.*2707C>T (NM_001377959.1).
Identifiers: ClinVar variation 335884 (VCV000335884.6), dbSNP rs138968325, ClinGen allele CA10613754.